The following is an entry in ClinVar:

ClinVar aggregate classification (germline): Uncertain significance (1 of 4 stars; one submission).

Conditions:
DICER1-related tumor predisposition. Also called: DICER1 syndrome; DICER1-related pleuropulmonary blastoma cancer predisposition syndrome. Identifiers: Orphanet 284343, MedGen C3839822, MONDO:0100216.

Submission:

Labcorp Genetics (formerly Invitae), Labcorp
Classification: Uncertain significance for DICER1-related tumor predisposition. Last evaluated: 2024-02-03. Review status: criteria provided, single submitter. Criteria: Invitae Variant Classification Sherloc (09022015). Collection method: clinical testing. Allele origin: germline.
Comment: This variant, c.3807_3808delinsTT, is a complex sequence change that results in the deletion of 2 and insertion of 2 amino acid(s) in the DICER1 protein (p.Gln1269_Val1270delinsHisLeu). Information on the frequency of this variant in the gnomAD database is not available, as this variant may be reported differently in the database. This variant has not been reported in the literature in individuals affected with DICER1-related conditions. Experimental studies and prediction algorithms are not available or were not evaluated, and the functional significance of this variant is currently unknown. In summary, the available evidence is currently insufficient to determine the role of this variant in disease. Therefore, it has been classified as a Variant of Uncertain Significance.

NM_177438.3(DICER1):c.3807_3808delinsTT (p.Gln1269_Val1270delinsHisLeu)

Gene: DICER1 (dicer 1, ribonuclease III; minus strand). Cytogenetic location: 14q32.13.
Variant type: Indel.
Coding change: c.3807_3808delinsTT on transcript NM_177438.3 (MANE Select); coding-DNA positions 3807 to 3808, AG replaced by TT.
Protein change: p.Gln1269_Val1270delinsHisLeu.
Molecular consequence: missense variant. On other transcripts: non-coding transcript variant (6).
Genome position (GRCh38, 1-based): chr14:95,103,588-95,103,589, CT replaced by AA on the plus strand (AG replaced by TT on the coding strand, the reverse complement: DICER1 is on the minus strand). VCF-style: chr14-95103588-CT-AA. GRCh37 (hg19) VCF-style: chr14-95569925-CT-AA.
Other names: c.3807_3808delinsTT, p.Gln1269_Val1270delinsHisLeu (NM_001195573.1, NM_001271282.3, NM_001291628.2 and 12 more transcripts); c.3807_3808delAGinsTT, p.Gln1269_Val1270delinsHisLeu (NM_001395681.1); c.3525_3526delinsTT, p.Gln1175_Val1176delinsHisLeu (NM_001395686.1); c.3402_3403delinsTT, p.Gln1134_Val1135delinsHisLeu (NM_001395687.1, NM_001395688.1, NM_001395689.1 and 2 more transcripts); c.3240_3241delinsTT, p.Gln1080_Val1081delinsHisLeu (NM_001395691.1); c.2124_2125delinsTT, p.Gln708_Val709delinsHisLeu (NM_001395697.1).
Identifiers: ClinVar variation 2995250 (VCV002995250.3), dbSNP rs2542695457, ClinGen allele CA2740097195.